The following is an entry in ClinVar:

NM_000051.4(ATM):c.2125-15_2128del

Gene: ATM (ATM serine/threonine kinase; plus strand). Cytogenetic location: 11q22.3.
Variant type: Deletion.
Coding change: c.2125-15_2128del on transcript NM_000051.4 (MANE Select); 15 bases into the intron before coding-DNA position 2125 through coding-DNA position 2128, 19 bases deleted (GTGGTTTACTTTAAGATTA).
Molecular consequence: splice acceptor variant.
Genome position (GRCh38, 1-based): chr11:108,256,200-108,256,218, GTGGTTTACTTTAAGATTA deleted. VCF-style (leftmost placement, unchanged base first): chr11-108256199-TGTGGTTTACTTTAAGATTA-T. GRCh37 (hg19) VCF-style: chr11-108126926-TGTGGTTTACTTTAAGATTA-T.
Other names: c.2125-15_2128delGTGGTTTACTTTAAGATTA (NM_000051.3); c.2125-15_2128del (NM_001351834.2).
Identifiers: ClinVar variation 407562 (VCV000407562.8), dbSNP rs1064792940, ClinGen allele CA16613363.

ClinVar aggregate classification (germline): Likely pathogenic (1 of 4 stars; one submission).

Conditions:
Ataxia-telangiectasia syndrome (AT). Also called: Ataxia telangiectasia (A-T); LOUIS-BAR SYNDROME; Cerebello-oculocutaneous telangiectasia; Immunodeficiency with ataxia telangiectasia; Ataxia-telangiectasia, complementation group D; AT, COMPLEMENTATION GROUP C. Identifiers: Orphanet 100, MedGen C0004135, MONDO:0008840, OMIM 208900.

Submission:

Labcorp Genetics (formerly Invitae), Labcorp
Classification: Likely pathogenic for Ataxia-telangiectasia syndrome. Last evaluated: 2016-12-08. Review status: criteria provided, single submitter. Criteria: Invitae Variant Classification Sherloc (09022015). Collection method: clinical testing. Allele origin: germline.
Comment: This variant has not been reported in the literature in individuals with an ATM-related disease. This sequence change deletes 19 nucleotides at the boundary of intron 13 and exon 14 of the ATM mRNA (c.2125-15_2128del). It affects an acceptor splice site in intron 13 of the ATM gene. It is expected to disrupt RNA splicing and likely results in an absent or disrupted protein product. In summary, donor and acceptor splice site variants are typically loss-of-function (PMID: 16199547), and loss-of-function variants in ATM are known to be pathogenic (PMID: 10817650, 19781682). However, without additional functional and/or genetic data, this variant has been classified as Likely Pathogenic.

Literature cited by the submitters: PubMed 16199547; PubMed 10817650; PubMed 19781682.